The following is an entry in ClinVar:

ClinVar aggregate classification (germline): Uncertain significance (1 of 4 stars; one submission).

Allele frequency attached by ClinVar (database versions not stated): gnomAD exomes below 0.00001; ExAC 0.00001.
gnomAD v4.1: 1 of 1,614,138 alleles (0.000062%); highest among the groups gnomAD compares: African/African-American, 0.0013%; no homozygotes.

Submission:

Labcorp Genetics (formerly Invitae), Labcorp
Classification: Uncertain significance. Last evaluated: 2022-09-27. Review status: criteria provided, single submitter. Criteria: Invitae Variant Classification Sherloc (09022015). Collection method: clinical testing. Allele origin: germline.
Comment: This sequence change replaces isoleucine, which is neutral and non-polar, with threonine, which is neutral and polar, at codon 1127 of the NLRP1 protein (p.Ile1127Thr). This variant is present in population databases (rs767399891, gnomAD 0.007%). This variant has not been reported in the literature in individuals affected with NLRP1-related conditions. Algorithms developed to predict the effect of missense changes on protein structure and function (SIFT, PolyPhen-2, Align-GVGD) all suggest that this variant is likely to be disruptive. In summary, the available evidence is currently insufficient to determine the role of this variant in disease. Therefore, it has been classified as a Variant of Uncertain Significance.

NM_033004.4(NLRP1):c.3380T>C (p.Ile1127Thr)

Gene: NLRP1 (NLR family pyrin domain containing 1; minus strand). Cytogenetic location: 17p13.2.
Variant type: single nucleotide variant.
Coding change: c.3380T>C on transcript NM_033004.4 (MANE Select); coding-DNA position 3380, T replaced by C.
Protein change: p.Ile1127Thr; replaces isoleucine 1127 with threonine.
Molecular consequence: missense variant.
Genome position (GRCh38, 1-based): chr17:5,530,621, A>G on the plus strand (T>C on the coding strand, the complement: NLRP1 is on the minus strand). VCF-style: chr17-5530621-A-G. GRCh37 (hg19) VCF-style: chr17-5433941-A-G.
Other names: c.3392T>C, p.Ile1131Thr (NM_001033053.3); c.3380T>C, p.Ile1127Thr (NM_014922.5); c.3290T>C, p.Ile1097Thr (NM_033006.4, NM_033007.4); short protein forms I1127T, I1097T, I1131T.
Identifiers: ClinVar variation 1949780 (VCV001949780.5), dbSNP rs767399891, ClinGen allele CA8326840.